The following is an entry in ClinVar:

NM_001374828.1(ARID1B):c.1334C>T (p.Ser445Phe)

Gene: ARID1B (AT-rich interaction domain 1B; plus strand). Cytogenetic location: 6q25.3.
Variant type: single nucleotide variant.
Coding change: c.1334C>T on transcript NM_001374828.1 (MANE Select); coding-DNA position 1334, C replaced by T.
Protein change: p.Ser445Phe; replaces serine 445 with phenylalanine.
Molecular consequence: missense variant.
Genome position (GRCh38, 1-based): chr6:156,779,014, C>T. VCF-style: chr6-156779014-C-T. GRCh37 (hg19) VCF-style: chr6-157100148-C-T.
Other names: c.1334C>T, p.Ser445Phe (NM_001371656.1, NM_001374820.1, NM_017519.3); short protein forms S445F.
Identifiers: ClinVar variation 1028039 (VCV001028039.4), dbSNP rs1380676072, ClinGen allele CA366384026.

ClinVar aggregate classification (germline): Uncertain significance. Review status: criteria provided, multiple submitters, no conflicts (2 of 4 stars). 2 submissions from 2 submitters: Uncertain significance (2). Last evaluated 2023-06-24.

Conditions:
Coffin-Siris syndrome 1 (CSS1). Also called: ARID1B-Related Coffin-Siris Syndrome; Mental retardation, autosomal dominant 12. Identifiers: Orphanet 1465, MedGen C3281201, MONDO:0007617, OMIM 135900. Disease mechanism: gain of function.

Allele frequency attached by ClinVar (database versions not stated): gnomAD exomes below 0.00001; gnomAD 0.00001.
gnomAD v4.1: 3 of 1,260,640 alleles (0.00024%); highest among the groups gnomAD compares: Admixed American, 0.0044%; no homozygotes.

Submissions (2):

Labcorp Genetics (formerly Invitae), Labcorp
Classification: Uncertain significance. Last evaluated: 2023-06-24. Review status: criteria provided, single submitter. Criteria: Invitae Variant Classification Sherloc (09022015). Collection method: clinical testing. Allele origin: germline.
Comment: The frequency data for this variant in the population databases is considered unreliable, as metrics indicate insufficient coverage at this position in the gnomAD database. This variant has not been reported in the literature in individuals affected with ARID1B-related conditions. In summary, the available evidence is currently insufficient to determine the role of this variant in disease. Therefore, it has been classified as a Variant of Uncertain Significance. Experimental studies and prediction algorithms are not available or were not evaluated, and the functional significance of this variant is currently unknown. ClinVar contains an entry for this variant (Variation ID: 1028039). This sequence change replaces serine, which is neutral and polar, with phenylalanine, which is neutral and non-polar, at codon 362 of the ARID1B protein (p.Ser362Phe).

Baylor Genetics
Classification: Uncertain significance for Coffin-Siris syndrome 1. Last evaluated: 2020-01-17. Review status: criteria provided, single submitter. Criteria: ACMG Guidelines, 2015. Collection method: clinical testing. Allele origin: unknown. Affected: yes.
Comment: This variant was determined to be of uncertain significance according to ACMG Guidelines, 2015 [PMID:25741868].